The following is an entry in ClinVar:

NM_002691.4(POLD1):c.544C>A (p.Leu182Met)

Gene: POLD1 (DNA polymerase delta 1, catalytic subunit; plus strand). Cytogenetic location: 19q13.33.
Variant type: single nucleotide variant.
Coding change: c.544C>A on transcript NM_002691.4 (MANE Select); coding-DNA position 544, C replaced by A.
Protein change: p.Leu182Met; replaces leucine 182 with methionine.
Molecular consequence: missense variant. On other transcripts: non-coding transcript variant (1).
Genome position (GRCh38, 1-based): chr19:50,402,079, C>A. VCF-style: chr19-50402079-C-A. GRCh37 (hg19) VCF-style: chr19-50905336-C-A.
Other names: c.544C>A, p.Leu182Met (NM_001256849.1, NM_001308632.1); short protein forms L182M.
Identifiers: ClinVar variation 469363 (VCV000469363.15), dbSNP rs757683193, ClinGen allele CA406973265.

ClinVar aggregate classification (germline): Uncertain significance. Review status: criteria provided, multiple submitters, no conflicts (2 of 4 stars). 3 submissions from 3 submitters: Uncertain significance (3). Last evaluated 2025-09-04.

Conditions:
Hereditary cancer-predisposing syndrome. Also called: Neoplastic Syndromes, Hereditary; Hereditary neoplastic syndrome; Tumor predisposition; Hereditary Cancer Syndrome. Identifiers: Orphanet 140162, MedGen C0027672, MeSH D009386, MONDO:0015356.
POLD1-related polyposis and colorectal cancer syndrome (CRCS10). Also called: Colorectal cancer 10; COLORECTAL CANCER, SUSCEPTIBILITY TO, ON CHROMOSOME 19q; Colorectal cancer, susceptibility to, 10. Identifiers: Orphanet 220460, MedGen C2675481, MONDO:0012953, OMIM 612591.

Allele frequency attached by ClinVar (database versions not stated): TOPMed below 0.00001; gnomAD 0.00001.

Submissions (3):

Ambry Genetics
Classification: Uncertain significance for Hereditary cancer-predisposing syndrome. Last evaluated: 2025-09-04. Review status: criteria provided, single submitter. Criteria: Ambry Variant Classification Scheme 2023. Collection method: clinical testing. Allele origin: germline.
Comment: The p.L182M variant (also known as c.544C>A), located in coding exon 4 of the POLD1 gene, results from a C to A substitution at nucleotide position 544. The leucine at codon 182 is replaced by methionine, an amino acid with highly similar properties. This amino acid position is conserved. In addition, this alteration is predicted to be tolerated by in silico analysis. Since supporting evidence is limited at this time, the clinical significance of this alteration remains unclear.

Labcorp Genetics (formerly Invitae), Labcorp
Classification: Uncertain significance for POLD1-related polyposis and colorectal cancer syndrome. Last evaluated: 2025-02-25. Review status: criteria provided, single submitter. Criteria: Invitae Variant Classification Sherloc (09022015). Collection method: clinical testing. Allele origin: germline.
Comment: This sequence change replaces leucine, which is neutral and non-polar, with methionine, which is neutral and non-polar, at codon 182 of the POLD1 protein (p.Leu182Met). This variant is present in population databases (no rsID available, gnomAD 0.01%). This variant has not been reported in the literature in individuals affected with POLD1-related conditions. ClinVar contains an entry for this variant (Variation ID: 469363). An algorithm developed to predict the effect of missense changes on protein structure and function (PolyPhen-2) suggests that this variant is likely to be tolerated. In summary, the available evidence is currently insufficient to determine the role of this variant in disease. Therefore, it has been classified as a Variant of Uncertain Significance.

GeneDx
Classification: Uncertain significance. Last evaluated: 2019-05-31. Review status: criteria provided, single submitter. Criteria: GeneDx Variant Classification Process June 2021. Collection method: clinical testing. Allele origin: germline. Affected: yes.
Comment: Not observed at a significant frequency in large population cohorts (Lek 2016); In silico analysis, which includes protein predictors and evolutionary conservation, supports that this variant does not alter protein structure/function; Has not been previously published as pathogenic or benign to our knowledge